The following is an entry in ClinVar:

ClinVar aggregate classification (germline): Uncertain significance (1 of 4 stars; one submission).

Conditions:
Chédiak-Higashi syndrome (CHS). Also called: Chediak-Higashi Syndrome. Identifiers: Orphanet 167, MedGen C0007965, MONDO:0008963, OMIM 214500.

Allele frequency attached by ClinVar (database versions not stated): gnomAD 0.00001.
gnomAD v4.1: 1 of 1,613,840 alleles (0.000062%); highest among the groups gnomAD compares: African/African-American, 0.0013%; no homozygotes.

Submission:

Labcorp Genetics (formerly Invitae), Labcorp
Classification: Uncertain significance for Chédiak-Higashi syndrome. Last evaluated: 2023-12-19. Review status: criteria provided, single submitter. Criteria: Invitae Variant Classification Sherloc (09022015). Collection method: clinical testing. Allele origin: germline.
Comment: This sequence change replaces aspartic acid, which is acidic and polar, with glutamic acid, which is acidic and polar, at codon 3782 of the LYST protein (p.Asp3782Glu). This variant is not present in population databases (gnomAD no frequency). This variant has not been reported in the literature in individuals affected with LYST-related conditions. Advanced modeling of protein sequence and biophysical properties (such as structural, functional, and spatial information, amino acid conservation, physicochemical variation, residue mobility, and thermodynamic stability) performed at Invitae indicates that this missense variant is expected to disrupt LYST protein function with a positive predictive value of 80%. In summary, the available evidence is currently insufficient to determine the role of this variant in disease. Therefore, it has been classified as a Variant of Uncertain Significance.

NM_000081.4(LYST):c.11346C>A (p.Asp3782Glu)

Gene: LYST (lysosomal trafficking regulator; minus strand). Cytogenetic location: 1q42.3.
Variant type: single nucleotide variant.
Coding change: c.11346C>A on transcript NM_000081.4 (MANE Select); coding-DNA position 11346, C replaced by A.
Protein change: p.Asp3782Glu; replaces aspartic acid 3782 with glutamic acid.
Molecular consequence: missense variant.
Genome position (GRCh38, 1-based): chr1:235,663,000, G>T on the plus strand (C>A on the coding strand, the complement: LYST is on the minus strand). VCF-style: chr1-235663000-G-T. GRCh37 (hg19) VCF-style: chr1-235826300-G-T.
Other names: c.11346C>A, p.Asp3782Glu (NM_001301365.1); short protein forms D3782E.
Identifiers: ClinVar variation 2704022 (VCV002704022.3), dbSNP rs1658153748, ClinGen allele CA344984095.